The following is an entry in ClinVar:

ClinVar aggregate classification (germline): Uncertain significance (1 of 4 stars; one submission).

Conditions:
Familial thoracic aortic aneurysm and aortic dissection (TAAD). Also called: Thoracic aortic aneurysms and dissections. Identifiers: Orphanet 91387, MedGen C4707243, MONDO:0019625.

Submission:

Color Diagnostics, LLC DBA Color Health
Classification: Uncertain significance for Familial thoracic aortic aneurysm and aortic dissection. Last evaluated: 2024-02-12. Review status: criteria provided, single submitter. Criteria: ACMG Guidelines, 2015. Collection method: clinical testing. Allele origin: germline.
Comment: This missense variant replaces glutamic acid with aspartic acid at codon 563 of the MYH11 protein. Computational prediction suggests that this variant may not impact protein structure and function (internally defined REVEL score threshold <= 0.5, PMID: 27666373). To our knowledge, functional studies have not been reported for this variant. This variant has not been reported in individuals affected with MYH11-related disorders in the literature. This variant has not been identified in the general population by the Genome Aggregation Database (gnomAD). The available evidence is insufficient to determine the role of this variant in disease conclusively. Therefore, this variant is classified as a Variant of Uncertain Significance.

NM_002474.3(MYH11):c.1668G>T (p.Glu556Asp)

Gene: MYH11 (myosin heavy chain 11; minus strand). Cytogenetic location: 16p13.11.
Variant type: single nucleotide variant.
Coding change: c.1668G>T on transcript NM_002474.3 (MANE Select); coding-DNA position 1668, G replaced by T.
Protein change: p.Glu556Asp; replaces glutamic acid 556 with aspartic acid.
Molecular consequence: missense variant.
Genome position (GRCh38, 1-based): chr16:15,756,422, C>A on the plus strand (G>T on the coding strand, the complement: MYH11 is on the minus strand). VCF-style: chr16-15756422-C-A. GRCh37 (hg19) VCF-style: chr16-15850279-C-A.
Other names: c.1689G>T, p.Glu563Asp (NM_001040113.2, NM_001040114.2); c.1668G>T, p.Glu556Asp (NM_022844.3); short protein forms E556D, E563D.
Identifiers: ClinVar variation 3894349 (VCV003894349.1).